The following is an entry in ClinVar:

NM_016139.4(CHCHD2):c.50+8C>T

Genes: CHCHD2 (coiled-coil-helix-coiled-coil-helix domain containing 2; minus strand), LOC129998502 (ATAC-STARR-seq lymphoblastoid active region 26053; plus strand). Cytogenetic location: 7p11.2.
Variant type: single nucleotide variant.
Coding change: c.50+8C>T on transcript NM_016139.4 (MANE Select); 8 bases into the intron after coding-DNA position 50, C replaced by T.
Molecular consequence: intron variant.
Genome position (GRCh38, 1-based): chr7:56,106,356, G>A on the plus strand (C>T on the coding strand, the complement: CHCHD2 is on the minus strand). VCF-style: chr7-56106356-G-A. GRCh37 (hg19) VCF-style: chr7-56174049-G-A.
Other names: p.?; c.50+8C>T (NM_001320327.2).
Identifiers: ClinVar variation 4683269 (VCV004683269.1).

ClinVar aggregate classification (germline): Likely benign (1 of 4 stars; one submission).

gnomAD v4.1: 2 of 1,612,912 alleles (0.00012%); highest among the groups gnomAD compares: Non-Finnish European, 0.00017%; no homozygotes.

Submission:

Mayo Clinic Laboratories, Mayo Clinic
Classification: Likely benign. Last evaluated: 2025-07-18. Review status: criteria provided, single submitter. Criteria: ACMG Guidelines, 2015. Collection method: clinical testing. Allele origin: germline. Observed: 1 variant allele.
Comment: BP4, BP7